The following is an entry in ClinVar:

ClinVar aggregate classification (germline): Pathogenic (1 of 4 stars; one submission).

Conditions:
Atrial fibrillation, familial, 11 (ATFB11). Identifiers: MedGen C3279693, MONDO:0013544, OMIM 614049.
Atrial standstill 1 (ATRST1). Also called: Atrial standstill, digenic (GJA5/SCN5A); ATRIAL CARDIOMYOPATHY WITH HEART BLOCK; CARDIOMYOPATHY, FAMILIAL, WITH CONDUCTION DISTURBANCE. Identifiers: Orphanet 1344, MedGen C4551959, MONDO:0007171, OMIM 108770.

Submission:

Labcorp Genetics (formerly Invitae), Labcorp
Classification: Pathogenic for Atrial fibrillation, familial, 11; Atrial standstill 1. Last evaluated: 2025-12-20. Review status: criteria provided, single submitter. Criteria: Invitae Variant Classification Sherloc (09022015). Collection method: clinical testing. Allele origin: germline.
Comment: This sequence change creates a premature translational stop signal (p.Gly8Glufs*14) in the GJA5 gene. While this is not anticipated to result in nonsense mediated decay, it is expected to disrupt the last 351 amino acid(s) of the GJA5 protein. This variant is not present in population databases (gnomAD no frequency). This variant has not been reported in the literature in individuals affected with GJA5-related conditions. ClinVar contains an entry for this variant (Variation ID: 2042319). This variant disrupts a region of the GJA5 protein in which other variant(s) (p.Gln49*) have been determined to be pathogenic (PMID: 20818502). This suggests that this is a clinically significant region of the protein, and that variants that disrupt it are likely to be disease-causing. For these reasons, this variant has been classified as Pathogenic.

Literature cited by the submitters: PubMed 20818502.

NM_181703.4(GJA5):c.23del (p.Gly8fs)

Gene: GJA5 (gap junction protein alpha 5; minus strand). Cytogenetic location: 1q21.2.
Variant type: Deletion.
Coding change: c.23del on transcript NM_181703.4 (MANE Select); coding-DNA position 23, one base deleted (G; older notation c.23delG).
Protein change: p.Gly8fs; shifts the reading frame from glycine 8.
Molecular consequence: frameshift variant.
Genome position (GRCh38, 1-based): chr1:147,759,216, C deleted on the plus strand (G on the coding strand, the reverse complement: GJA5 is on the minus strand); the first of 3 consecutive C bases (chr1:147,759,216-147,759,218); deleting any one gives the same sequence. VCF-style (leftmost placement, unchanged base first): chr1-147759215-TC-T. GRCh37 (hg19) VCF-style: chr1-147231323-TC-T.
Other names: c.23del, p.Gly8fs (NM_005266.7); short protein forms G8fs.
Identifiers: ClinVar variation 2042319 (VCV002042319.4), dbSNP rs2524612750, ClinGen allele CA2580060968.
Genomic context (GRCh38, chr1:147,759,215, plus strand): 5'-GACAGTGAGCCAGACCTTGCCTACCACGGTCGAGTGCTTGTGTACTTCCTCCAGGAAATT[TC>T]CCAGGAAGCTCCAATCGCCCATCTTGGCACAGCCAGGGAACAGATGCCAAAACTTCTGCA-3'